The following is an entry in ClinVar:

ClinVar aggregate classification (germline): Uncertain significance (1 of 4 stars; one submission).

Conditions:
Cutis laxa with severe pulmonary, gastrointestinal and urinary anomalies. Also called: URBAN-RIFKIN-DAVIS SYNDROME; Cutis laxa, autosomal recessive, type IC; LTBP4-Related Cutis Laxa. Identifiers: Orphanet 221145, MedGen C2750804, MONDO:0013170, OMIM 613177. Disease mechanism: loss of function.

Allele frequency attached by ClinVar (database versions not stated): gnomAD 0.00001; TOPMed 0.00002; gnomAD exomes 0.00004; ExAC 0.00014.

Submission:

GeneDx
Classification: Uncertain significance. Last evaluated: 2020-06-19. Review status: criteria provided, single submitter. Criteria: GeneDx Variant Classification Process June 2021. Collection method: clinical testing. Allele origin: germline. Affected: yes.
Comment: Not observed at a significant frequency in large population cohorts (Lek et al., 2016); In silico analysis supports that this missense variant has a deleterious effect on protein structure/function; Has not been previously published as pathogenic or benign to our knowledge

NM_001042545.2(LTBP4):c.827C>T (p.Pro276Leu)

Genes: LTBP4 (latent transforming growth factor beta binding protein 4; plus strand), LOC121627876 (Sharpr-MPRA regulatory region 12022; plus strand). Cytogenetic location: 19q13.2.
Variant type: single nucleotide variant.
Coding change: c.827C>T on transcript NM_001042545.2 (MANE Select); coding-DNA position 827, C replaced by T.
Protein change: p.Pro276Leu; replaces proline 276 with leucine.
Molecular consequence: missense variant.
Genome position (GRCh38, 1-based): chr19:40,606,266, C>T. VCF-style: chr19-40606266-C-T. GRCh37 (hg19) VCF-style: chr19-41112172-C-T.
Other names: c.1028C>T, p.Pro343Leu (NM_001042544.1); c.917C>T, p.Pro306Leu (NM_003573.2); short protein forms P276L, P306L, P343L.
Identifiers: ClinVar variation 1312815 (VCV001312815.3), dbSNP rs760578075, ClinGen allele CA9448109.